The following is an entry in ClinVar:

NM_025103.4(IFT74):c.1109-8A>G

Gene: IFT74 (intraflagellar transport 74; plus strand). Cytogenetic location: 9p21.2.
Variant type: single nucleotide variant.
Coding change: c.1109-8A>G on transcript NM_025103.4 (MANE Select); 8 bases into the intron before coding-DNA position 1109, A replaced by G.
Molecular consequence: intron variant.
Genome position (GRCh38, 1-based): chr9:27,047,266, A>G. VCF-style: chr9-27047266-A-G. GRCh37 (hg19) VCF-style: chr9-27047264-A-G.
Other names: c.1109-8A>G (NM_001099223.3, NM_001099222.3, NM_001349928.2).
Identifiers: ClinVar variation 1914620 (VCV001914620.3), dbSNP rs772113072, ClinGen allele CA5015571.

ClinVar aggregate classification (germline): Uncertain significance (1 of 4 stars; one submission).

Allele frequency attached by ClinVar (database versions not stated): ExAC 0.00001.
gnomAD v4.1: 11 of 1,579,040 alleles (0.0007%); highest among the groups gnomAD compares: Admixed American, 0.0033%; no homozygotes.

Submission:

Labcorp Genetics (formerly Invitae), Labcorp
Classification: Uncertain significance. Last evaluated: 2022-09-13. Review status: criteria provided, single submitter. Criteria: Invitae Variant Classification Sherloc (09022015). Collection method: clinical testing. Allele origin: germline.
Comment: This sequence change falls in intron 14 of the IFT74 gene. It does not directly change the encoded amino acid sequence of the IFT74 protein. In summary, the available evidence is currently insufficient to determine the role of this variant in disease. Therefore, it has been classified as a Variant of Uncertain Significance. Algorithms developed to predict the effect of sequence changes on RNA splicing suggest that this variant may disrupt the consensus splice site. This variant has not been reported in the literature in individuals affected with IFT74-related conditions. This variant is present in population databases (rs772113072, gnomAD 0.006%).